The following is an entry in ClinVar:

NM_014225.6(PPP2R1A):c.473T>C (p.Val158Ala)

Gene: PPP2R1A (protein phosphatase 2 scaffold subunit Aalpha; plus strand). Cytogenetic location: 19q13.41.
Variant type: single nucleotide variant.
Coding change: c.473T>C on transcript NM_014225.6 (MANE Select); coding-DNA position 473, T replaced by C.
Protein change: p.Val158Ala; replaces valine 158 with alanine.
Molecular consequence: missense variant. On other transcripts: 5 prime UTR variant (1), non-coding transcript variant (1).
Genome position (GRCh38, 1-based): chr19:52,211,462, T>C. VCF-style: chr19-52211462-T-C. GRCh37 (hg19) VCF-style: chr19-52714715-T-C.
Other names: c.-65T>C (NM_001363656.2); short protein forms V158A.
Identifiers: ClinVar variation 3383695 (VCV003383695.3).
Genomic context (GRCh38, chr19:52,211,462, plus strand): 5'-GCGACTGGTTCACCTCCCGCACCTCGGCCTGCGGCCTCTTCTCCGTCTGCTACCCCCGAG[T>C]GTCCAGTGCTGTGAAGGCGGAACTTCGACAGTGAGTCTCTGCCTCCTTGGAAGCTCCAAG-3'
Protein context (NP_055040.2, residues 148-168): CGLFSVCYPR[Val158Ala]SSAVKAELRQ

ClinVar aggregate classification (germline): Uncertain significance. Review status: criteria provided, multiple submitters, no conflicts (2 of 4 stars). 2 submissions from 2 submitters: Uncertain significance (2). Last evaluated 2024-06-18.

Submissions (2):

Labcorp Genetics (formerly Invitae), Labcorp
Classification: Uncertain significance. Last evaluated: 2024-06-18. Review status: criteria provided, single submitter. Criteria: Invitae Variant Classification Sherloc (09022015). Collection method: clinical testing. Allele origin: germline.
Comment: This sequence change replaces valine, which is neutral and non-polar, with alanine, which is neutral and non-polar, at codon 158 of the PPP2R1A protein (p.Val158Ala). This variant is not present in population databases (gnomAD no frequency). This variant has not been reported in the literature in individuals affected with PPP2R1A-related conditions. An algorithm developed to predict the effect of missense changes on protein structure and function (PolyPhen-2) suggests that this variant is likely to be tolerated. In summary, the available evidence is currently insufficient to determine the role of this variant in disease. Therefore, it has been classified as a Variant of Uncertain Significance.

GeneDx
Classification: Uncertain significance. Last evaluated: 2024-05-29. Review status: criteria provided, single submitter. Criteria: GeneDx Variant Classification Process June 2021. Collection method: clinical testing. Allele origin: germline. Affected: yes.
Comment: Not observed at significant frequency in large population cohorts (gnomAD); In silico analysis indicates that this missense variant does not alter protein structure/function; Has not been previously published as pathogenic or benign to our knowledge